The following is an entry in ClinVar:

NM_001458.5(FLNC):c.4951+3G>A

Gene: FLNC (filamin C; plus strand). Cytogenetic location: 7q32.1.
Variant type: single nucleotide variant.
Coding change: c.4951+3G>A on transcript NM_001458.5 (MANE Select); 3 bases into the intron after coding-DNA position 4951, G replaced by A.
Molecular consequence: intron variant.
Genome position (GRCh38, 1-based): chr7:128,849,207, G>A. VCF-style: chr7-128849207-G-A. GRCh37 (hg19) VCF-style: chr7-128489261-G-A.
Other names: c.4951+3G>A (NM_001127487.2).
Identifiers: ClinVar variation 936329 (VCV000936329.10), dbSNP rs377554196, ClinGen allele CA4475508.

ClinVar aggregate classification (germline): Conflicting classifications of pathogenicity. Review status: criteria provided, conflicting classifications (1 of 4 stars). 3 submissions from 3 submitters: Uncertain significance (2); Likely benign (1). Last evaluated 2025-11-01.

Conditions:
Myofibrillar myopathy 5. Also called: Filaminopathy (type); FILAMINOPATHY, AUTOSOMAL DOMINANT. Identifiers: Orphanet 171445, MedGen C1836050, MONDO:0012289, OMIM 609524.
Hypertrophic cardiomyopathy 26. Also called: Cardiomyopathy, familial hypertrophic, 26. Identifiers: Orphanet 75249, MedGen C4310749, MONDO:0014883, OMIM 617047.
Distal myopathy with posterior leg and anterior hand involvement. Also called: WILLIAMS DISTAL MYOPATHY. Identifiers: Orphanet 63273, MedGen C3279722, MONDO:0013550, OMIM 614065.
Cardiovascular phenotype. Identifiers: MedGen CN230736.

Allele frequency attached by ClinVar (database versions not stated): gnomAD exomes 0.00001 and 0.00003; ExAC 0.00003; TOPMed 0.00003; gnomAD 0.00004; ESP Exome Variant Server 0.00008.
gnomAD v4.1: 14 of 1,613,946 alleles (0.00087%); highest among the groups gnomAD compares: African/African-American, 0.012%; no homozygotes.

Submissions (3):

Labcorp Genetics (formerly Invitae), Labcorp
Classification: Uncertain significance for Distal myopathy with posterior leg and anterior hand involvement; Myofibrillar myopathy 5; Hypertrophic cardiomyopathy 26. Last evaluated: 2025-11-01. Review status: criteria provided, single submitter. Criteria: Invitae Variant Classification Sherloc (09022015). Collection method: clinical testing. Allele origin: germline.
Comment: This sequence change falls in intron 29 of the FLNC gene. It does not directly change the encoded amino acid sequence of the FLNC protein. It affects a nucleotide within the consensus splice site. This variant is present in population databases (rs377554196, gnomAD 0.02%). This variant has not been reported in the literature in individuals affected with FLNC-related conditions. ClinVar contains an entry for this variant (Variation ID: 936329). Variants that disrupt the consensus splice site are a relatively common cause of aberrant splicing (PMID: 17576681, 9536098). Algorithms developed to predict the effect of sequence changes on RNA splicing suggest that this variant is not likely to affect RNA splicing. In summary, the available evidence is currently insufficient to determine the role of this variant in disease. Therefore, it has been classified as a Variant of Uncertain Significance.

Ambry Genetics
Classification: Uncertain significance for Cardiovascular phenotype. Last evaluated: 2025-02-05. Review status: criteria provided, single submitter. Criteria: Ambry Variant Classification Scheme 2023. Collection method: clinical testing. Allele origin: germline.
Comment: The c.4951+3G>A intronic variant results from a G to A substitution 3 nucleotides after coding exon 29 in the FLNC gene. This nucleotide position is well conserved in available vertebrate species. In silico splice site analysis predicts that this alteration will not have any significant effect on splicing. Based on the available evidence, the clinical significance of this variant remains unclear.

GeneDx
Classification: Likely benign. Last evaluated: 2019-06-07. Review status: criteria provided, single submitter. Criteria: GeneDx Variant Classification Process June 2021. Collection method: clinical testing. Allele origin: germline. Affected: yes.

Literature cited by the submitters: PubMed 17576681 (cited by Labcorp Genetics (formerly Invitae), Labcorp); PubMed 9536098 (cited by Labcorp Genetics (formerly Invitae), Labcorp).